The following is an entry in ClinVar:

NM_001848.3(COL6A1):c.2513C>T (p.Ala838Val)

Gene: COL6A1 (collagen type VI alpha 1 chain; plus strand). Cytogenetic location: 21q22.3.
Variant type: single nucleotide variant.
Coding change: c.2513C>T on transcript NM_001848.3 (MANE Select); coding-DNA position 2513, C replaced by T.
Protein change: p.Ala838Val; replaces alanine 838 with valine.
Molecular consequence: missense variant.
Genome position (GRCh38, 1-based): chr21:46,003,439, C>T. VCF-style: chr21-46003439-C-T. GRCh37 (hg19) VCF-style: chr21-47423353-C-T.
Other names: short protein forms A838V.
Identifiers: ClinVar variation 1365802 (VCV001365802.8), dbSNP rs1486288129, ClinGen allele CA410539258.

ClinVar aggregate classification (germline): Uncertain significance (1 of 4 stars; one submission).

Conditions:
Bethlem myopathy 1A. Also called: Bethlem myopathy 1; Bethlem Muscular Dystrophy; MYOPATHY, BENIGN CONGENITAL, WITH CONTRACTURES. Identifiers: Orphanet 610, MedGen CN029274, MONDO:0024530, OMIM 158810.

Submission:

Labcorp Genetics (formerly Invitae), Labcorp
Classification: Uncertain significance for Bethlem myopathy 1A. Last evaluated: 2021-07-07. Review status: criteria provided, single submitter. Criteria: Invitae Variant Classification Sherloc (09022015). Collection method: clinical testing. Allele origin: germline.
Comment: In summary, the available evidence is currently insufficient to determine the role of this variant in disease. Therefore, it has been classified as a Variant of Uncertain Significance. Advanced modeling of protein sequence and biophysical properties (such as structural, functional, and spatial information, amino acid conservation, physicochemical variation, residue mobility, and thermodynamic stability) performed at Invitae indicates that this missense variant is not expected to disrupt COL6A1 protein function. This variant has not been reported in the literature in individuals affected with COL6A1-related conditions. This variant is not present in population databases (ExAC no frequency). This sequence change replaces alanine with valine at codon 838 of the COL6A1 protein (p.Ala838Val). The alanine residue is moderately conserved and there is a small physicochemical difference between alanine and valine.